The following is an entry in ClinVar:

NM_006267.5(RANBP2):c.2550A>G (p.Ser850=)

Gene: RANBP2 (RAN binding protein 2; plus strand). Cytogenetic location: 2q13.
Variant type: single nucleotide variant.
Coding change: c.2550A>G on transcript NM_006267.5 (MANE Select); coding-DNA position 2550, A replaced by G.
Protein change: p.Ser850=; no amino-acid change (serine 850 retained).
Molecular consequence: synonymous variant.
Genome position (GRCh38, 1-based): chr2:108,758,496, A>G. VCF-style: chr2-108758496-A-G. GRCh37 (hg19) VCF-style: chr2-109374952-A-G.
Identifiers: ClinVar variation 380029 (VCV000380029.13), dbSNP rs826549, ClinGen allele CA1822735.
Genomic context (GRCh38, chr2:108,758,496, plus strand): 5'-AAATAGCAGTAACTCAGCATCCCCTCATCGTTGGCCCACAGAGAATTATGGACCAGACTC[A>G]GTGCCTGATGGATATCAGGGGTCACAGACATTTCATGGGGCTCCACTAACAGGTGAGCTG-3'
Protein context (NP_006258.3, residues 840-860): RWPTENYGPD[Ser850=]VPDGYQGSQT

ClinVar aggregate classification (germline): Benign. Review status: criteria provided, multiple submitters, no conflicts (2 of 4 stars). 3 submissions from 3 submitters: Benign (3). Last evaluated 2026-01-26.

Conditions:
Familial acute necrotizing encephalopathy (IIAE3). Also called: ENCEPHALOPATHY, ACUTE, INFECTION-INDUCED, SUSCEPTIBILITY TO, 3; Susceptibility to Acute Necrotizing Encephalopathy 1. Identifiers: Orphanet 88619, MedGen C2675556, MONDO:0011953, OMIM 608033.

Allele frequency attached by ClinVar (database versions not stated): gnomAD exomes 0.24630; ExAC 0.26040; ESP Exome Variant Server 0.30829; gnomAD 0.35436 and 0.36200; TOPMed 0.37157; 1000 Genomes Project 30x 0.37570.

Submissions (3):

Labcorp Genetics (formerly Invitae), Labcorp
Classification: Benign for Familial acute necrotizing encephalopathy. Last evaluated: 2026-01-26. Review status: criteria provided, single submitter. Criteria: Invitae Variant Classification Sherloc (09022015). Collection method: clinical testing. Allele origin: germline.

GeneDx
Classification: Benign. Last evaluated: 2016-01-05. Review status: criteria provided, single submitter. Criteria: GeneDx Variant Classification (06012015). Collection method: clinical testing. Allele origin: germline. Affected: yes.
Comment: This variant is considered likely benign or benign based on one or more of the following criteria: it is a conservative change, it occurs at a poorly conserved position in the protein, it is predicted to be benign by multiple in silico algorithms, and/or has population frequency not consistent with disease.

Breakthrough Genomics
Classification: Benign. Review status: criteria provided, single submitter. Criteria: ACMG Guidelines, 2015. Collection method: not provided. Allele origin: germline. Inheritance: Autosomal dominant inheritance. Affected: yes.